The following is an entry in ClinVar:

ClinVar aggregate classification (germline): Uncertain significance (1 of 4 stars; one submission).

Submission:

GeneDx
Classification: Uncertain significance. Last evaluated: 2022-05-06. Review status: criteria provided, single submitter. Criteria: GeneDx Variant Classification Process June 2021. Collection method: clinical testing. Allele origin: germline. Affected: yes.
Comment: Not observed at significant frequency in large population cohorts (gnomAD); In silico analysis supports that this missense variant does not alter protein structure/function; Has not been previously published as pathogenic or benign to our knowledge

NM_001127222.2(CACNA1A):c.3025G>T (p.Ala1009Ser)

Gene: CACNA1A (calcium voltage-gated channel subunit alpha1 A; minus strand). Cytogenetic location: 19p13.13.
Variant type: single nucleotide variant.
Coding change: c.3025G>T on transcript NM_001127222.2 (MANE Select); coding-DNA position 3025, G replaced by T.
Protein change: p.Ala1009Ser; replaces alanine 1009 with serine.
Molecular consequence: missense variant.
Genome position (GRCh38, 1-based): chr19:13,298,608, C>A on the plus strand (G>T on the coding strand, the complement: CACNA1A is on the minus strand). VCF-style: chr19-13298608-C-A. GRCh37 (hg19) VCF-style: chr19-13409422-C-A.
Other names: c.3037G>T, p.Ala1013Ser (NM_000068.4, NM_023035.3); c.3028G>T, p.Ala1010Ser (NM_001127221.2, NM_001174080.2); short protein forms A1009S, A1010S, A1013S.
Identifiers: ClinVar variation 1723030 (VCV001723030.2), dbSNP rs1555755834, ClinGen allele CA404342224.